The following is an entry in ClinVar:

ClinVar aggregate classification (germline): Uncertain significance (1 of 4 stars; one submission).

Conditions:
Cardiovascular phenotype. Identifiers: MedGen CN230736.

Submission:

Ambry Genetics
Classification: Uncertain significance for Cardiovascular phenotype. Last evaluated: 2020-03-25. Review status: criteria provided, single submitter. Criteria: Ambry Variant Classification Scheme 2023. Collection method: clinical testing. Allele origin: germline.
Comment: The p.A1632D variant (also known as c.4895C>A), located in coding exon 32 of the MYH7 gene, results from a C to A substitution at nucleotide position 4895. The alanine at codon 1632 is replaced by aspartic acid, an amino acid with dissimilar properties. This amino acid position is highly conserved in available vertebrate species. In addition, this alteration is predicted to be deleterious by in silico analysis. Since supporting evidence is limited at this time, the clinical significance of this alteration remains unclear.

NM_000257.4(MYH7):c.4895C>A (p.Ala1632Asp)

Genes: MHRT (myosin heavy chain associated RNA transcript; plus strand), MYH7 (myosin heavy chain 7; minus strand), LOC126861897 (BRD4-independent group 4 enhancer GRCh37_chr14:23884455-23885654; plus strand). Cytogenetic location: 14q11.2.
Variant type: single nucleotide variant.
Coding change: c.4895C>A on transcript NM_000257.4 (MANE Select); coding-DNA position 4895, C replaced by A.
Protein change: p.Ala1632Asp; replaces alanine 1632 with aspartic acid.
Molecular consequence: missense variant. On other transcripts: non-coding transcript variant (1).
Genome position (GRCh38, 1-based): chr14:23,416,062, G>T on the plus strand (C>A on the coding strand, the complement: MYH7 is on the minus strand). VCF-style: chr14-23416062-G-T. GRCh37 (hg19) VCF-style: chr14-23885271-G-T.
Other names: c.4895C>A (LRG_384t1); short protein forms A1632D.
Identifiers: ClinVar variation 519197 (VCV000519197.5), dbSNP rs1435525455, ClinGen allele CA389037403.